The following is an entry in ClinVar:

ClinVar aggregate classification (germline): Uncertain significance (1 of 4 stars; one submission).

Conditions:
Congenital sideroblastic anemia-B-cell immunodeficiency-periodic fever-developmental delay syndrome. Also called: Sideroblastic anemia with B-cell immunodeficiency, periodic fevers, and developmental delay. Identifiers: Orphanet 369861, MedGen C4015172, MONDO:0014487, OMIM 616084.

Submission:

Labcorp Genetics (formerly Invitae), Labcorp
Classification: Uncertain significance for Congenital sideroblastic anemia-B-cell immunodeficiency-periodic fever-developmental delay syndrome. Last evaluated: 2022-05-30. Review status: criteria provided, single submitter. Criteria: Invitae Variant Classification Sherloc (09022015). Collection method: clinical testing. Allele origin: germline.
Comment: This sequence change replaces alanine, which is neutral and non-polar, with valine, which is neutral and non-polar, at codon 316 of the TRNT1 protein (p.Ala316Val). The frequency data for this variant in the population databases is considered unreliable, as metrics indicate poor data quality at this position in the gnomAD database. In summary, the available evidence is currently insufficient to determine the role of this variant in disease. Therefore, it has been classified as a Variant of Uncertain Significance. Algorithms developed to predict the effect of missense changes on protein structure and function are either unavailable or do not agree on the potential impact of this missense change (SIFT: "Not Available"; PolyPhen-2: "Benign"; Align-GVGD: "Not Available"). This missense change has been observed in individual(s) with TRNT1-related conditions (PMID: 32592741). In at least one individual the data is consistent with being in trans (on the opposite chromosome) from a pathogenic variant.

Literature cited by the submitters: PubMed 32592741.

NM_182916.3(TRNT1):c.947_948inv (p.Ala316Val)

Gene: TRNT1 (tRNA nucleotidyl transferase 1; plus strand). Cytogenetic location: 3p26.2.
Variant type: Inversion.
Coding change: c.947_948inv on transcript NM_182916.3 (MANE Select).
Protein change: p.Ala316Val; replaces alanine 316 with valine.
Molecular consequence: missense variant. On other transcripts: non-coding transcript variant (8).
Genome position: GRCh38 VCF-style: chr3-3147594-CA-TG. GRCh37 (hg19) VCF-style: chr3-3189278-CA-TG.
Other names: c.887_888inv, p.Ala296Val (NM_001302946.2); c.947_948inv, p.Ala316Val (NM_001367321.1, NM_001367322.1, NM_001367323.1); short protein forms A316V, A296V.
Identifiers: ClinVar variation 2157564 (VCV002157564.2), ClinGen allele CA2580069156.